The following is an entry in ClinVar:

ClinVar aggregate classification (germline): Uncertain significance. Review status: criteria provided, multiple submitters, no conflicts (2 of 4 stars). 2 submissions from 2 submitters: Uncertain significance (2). Last evaluated 2024-07-12.

Conditions:
Familial focal epilepsy with variable foci (FPEVF). Identifiers: Orphanet 98820, MedGen C1858477, MONDO:0020310.

Allele frequency attached by ClinVar (database versions not stated): TOPMed 0.00001.
gnomAD v4.1: 1 of 1,613,980 alleles (0.000062%); no homozygotes.

Submissions (2):

GeneDx
Classification: Uncertain significance. Last evaluated: 2024-07-12. Review status: criteria provided, single submitter. Criteria: GeneDx Variant Classification Process June 2021. Collection method: clinical testing. Allele origin: germline. Affected: yes.
Comment: Not observed at significant frequency in large population cohorts (gnomAD); In silico analysis indicates that this missense variant does not alter protein structure/function; Has not been previously published as pathogenic or benign to our knowledge

Labcorp Genetics (formerly Invitae), Labcorp
Classification: Uncertain significance for Familial focal epilepsy with variable foci. Last evaluated: 2023-12-27. Review status: criteria provided, single submitter. Criteria: Invitae Variant Classification Sherloc (09022015). Collection method: clinical testing. Allele origin: germline.
Comment: This sequence change replaces serine, which is neutral and polar, with proline, which is neutral and non-polar, at codon 903 of the DEPDC5 protein (p.Ser903Pro). This variant is not present in population databases (gnomAD no frequency). This variant has not been reported in the literature in individuals affected with DEPDC5-related conditions. Experimental studies and prediction algorithms are not available or were not evaluated, and the functional significance of this variant is currently unknown. In summary, the available evidence is currently insufficient to determine the role of this variant in disease. Therefore, it has been classified as a Variant of Uncertain Significance.

NM_001242896.3(DEPDC5):c.2707T>C (p.Ser903Pro)

Gene: DEPDC5 (DEP domain containing 5, GATOR1 subcomplex subunit; plus strand). Cytogenetic location: 22q12.3.
Variant type: single nucleotide variant.
Coding change: c.2707T>C on transcript NM_001242896.3 (MANE Select); coding-DNA position 2707, T replaced by C.
Protein change: p.Ser903Pro; replaces serine 903 with proline.
Molecular consequence: missense variant. On other transcripts: non-coding transcript variant (5).
Genome position (GRCh38, 1-based): chr22:31,843,718, T>C. VCF-style: chr22-31843718-T-C. GRCh37 (hg19) VCF-style: chr22-32239704-T-C.
Other names: c.2680T>C, p.Ser894Pro (NM_001136029.4, NM_001369903.1, NM_014662.6); c.2473T>C, p.Ser825Pro (NM_001242897.2, NM_001363854.2, NM_001364319.2); c.2707T>C, p.Ser903Pro (NM_001363852.2, NM_001364318.2, NM_001364320.2); c.2623T>C, p.Ser875Pro (NM_001369901.1, NM_001369902.1); c.2707T>C (NM_001242896.1); short protein forms S903P, S875P, S894P, S825P.
Identifiers: ClinVar variation 2954653 (VCV002954653.4), dbSNP rs2091538666, ClinGen allele CA411289830.